The following is an entry in ClinVar:

ClinVar aggregate classification (germline): Likely pathogenic (0 of 4 stars; one submission).

Conditions:
KMT2A-related disorder. Also called: KMT2A-related condition.

Submission:

PreventionGenetics, part of Exact Sciences
Classification: Likely pathogenic for KMT2A-related condition. Last evaluated: 2024-09-05. Review status: no assertion criteria provided. Collection method: clinical testing. Allele origin: germline.
Comment: The KMT2A c.302C>A variant is predicted to result in premature protein termination (p.Ser101*). To our knowledge, this variant has not been reported in the literature or in a large population database, indicating this variant is rare. Nonsense variants in KMT2A are expected to be pathogenic. This variant is interpreted as likely pathogenic.

NM_001197104.2(KMT2A):c.302C>A (p.Ser101Ter)

Gene: KMT2A (lysine methyltransferase 2A; plus strand). Cytogenetic location: 11q23.3.
Variant type: single nucleotide variant.
Coding change: c.302C>A on transcript NM_001197104.2 (MANE Select); coding-DNA position 302, C replaced by A.
Protein change: p.Ser101Ter; replaces serine 101 with a stop codon.
Molecular consequence: nonsense.
Genome position (GRCh38, 1-based): chr11:118,436,814, C>A. VCF-style: chr11-118436814-C-A. GRCh37 (hg19) VCF-style: chr11-118307529-C-A.
Other names: c.302C>A, p.Ser101Ter (NM_001412597.1, NM_005933.4); short protein forms S101*.
Identifiers: ClinVar variation 3353714 (VCV003353714.1).
Genomic context (GRCh38, chr11:118,436,814, plus strand): 5'-CCTCAGCAGCCTCCTCGTCGTCCGCCTCGTCTTCGTCTTCGTCATCGTCCTCAGCCTCTT[C>A]AGGGCCGGCCCTGCTCCGGGTGGGCCCGGGCTTCGACGCGGCGCTGCAGGTCTCGGCCGC-3'